The following is an entry in ClinVar:

ClinVar aggregate classification (germline): Uncertain significance (1 of 4 stars; one submission).

Submission:

GeneDx
Classification: Uncertain significance. Last evaluated: 2026-01-29. Review status: criteria provided, single submitter. Criteria: GeneDx Variant Classification Process June 2021. Collection method: clinical testing. Allele origin: germline.
Comment: Not observed at significant frequency in large population cohorts (gnomAD); In silico analysis supports that this missense variant has a deleterious effect on protein structure/function; Has not been previously published as pathogenic or benign to our knowledge

NM_001005273.3(CHD3):c.582A>C (p.Arg194Ser)

Gene: CHD3 (chromodomain helicase DNA binding protein 3; plus strand). Cytogenetic location: 17p13.1.
Variant type: single nucleotide variant.
Coding change: c.582A>C on transcript NM_001005273.3 (MANE Select); coding-DNA position 582, A replaced by C.
Protein change: p.Arg194Ser; replaces arginine 194 with serine.
Molecular consequence: missense variant.
Genome position (GRCh38, 1-based): chr17:7,893,358, A>C. VCF-style: chr17-7893358-A-C. GRCh37 (hg19) VCF-style: chr17-7796676-A-C.
Other names: c.759A>C, p.Arg253Ser (NM_001005271.3); c.582A>C, p.Arg194Ser (NM_005852.4); short protein forms R194S, R253S.
Identifiers: ClinVar variation 3364552 (VCV003364552.2).
Genomic context (GRCh38, chr17:7,893,358, plus strand): 5'-TAAGAAGAATCCTAAGATCCCAATGTCTAAGATGATGACCATCCTTGGGGCCAAATGGAG[A>C]GAGTTCAGTGCCAACAACCCCTTCAAGGGGTCAGCAGCTGCTGTGGCGGCGGCAGCGGCA-3'
Protein context (NP_001005273.1, residues 184-204): KMMTILGAKW[Arg194Ser]EFSANNPFKG